The following is an entry in ClinVar:

NM_006361.6(HOXB13):c.788G>C (p.Trp263Ser)

Gene: HOXB13 (homeobox B13; minus strand). Cytogenetic location: 17q21.32.
Variant type: single nucleotide variant.
Coding change: c.788G>C on transcript NM_006361.6 (MANE Select); coding-DNA position 788, G replaced by C.
Protein change: p.Trp263Ser; replaces tryptophan 263 with serine.
Molecular consequence: missense variant.
Genome position (GRCh38, 1-based): chr17:48,726,857, C>G on the plus strand (G>C on the coding strand, the complement: HOXB13 is on the minus strand). VCF-style: chr17-48726857-C-G. GRCh37 (hg19) VCF-style: chr17-46804219-C-G.
Other names: short protein forms W263S.
Identifiers: ClinVar variation 1761045 (VCV001761045.2), dbSNP rs2143065756, ClinGen allele CA400105727.

ClinVar aggregate classification (germline): Uncertain significance (1 of 4 stars; one submission).

Conditions:
Hereditary cancer-predisposing syndrome. Also called: Neoplastic Syndromes, Hereditary; Tumor predisposition; Hereditary Cancer Syndrome; Hereditary neoplastic syndrome. Identifiers: Orphanet 140162, MedGen C0027672, MeSH D009386, MONDO:0015356.

Allele frequency attached by ClinVar (database versions not stated): gnomAD exomes below 0.00001.
gnomAD v4.1: 2 of 1,614,172 alleles (0.00012%); highest among the groups gnomAD compares: Non-Finnish European, 0.00017%; no homozygotes.

Submission:

Ambry Genetics
Classification: Uncertain significance for Hereditary cancer-predisposing syndrome. Last evaluated: 2021-11-30. Review status: criteria provided, single submitter. Criteria: Ambry Variant Classification Scheme 2023. Collection method: clinical testing. Allele origin: germline.
Comment: The p.W263S variant (also known as c.788G>C), located in coding exon 2 of the HOXB13 gene, results from a G to C substitution at nucleotide position 788. The tryptophan at codon 263 is replaced by serine, an amino acid with highly dissimilar properties. This amino acid position is conserved. In addition, this alteration is predicted to be deleterious by in silico analysis. Since supporting evidence is limited at this time, the clinical significance of this alteration remains unclear.